The following is an entry in ClinVar:

ClinVar aggregate classification (germline): Pathogenic. Review status: criteria provided, multiple submitters, no conflicts (2 of 4 stars). 2 submissions from 2 submitters: Pathogenic (2). Last evaluated 2026-08-19.

Conditions:
Hereditary cancer-predisposing syndrome. Also called: Tumor predisposition; Hereditary neoplastic syndrome; Hereditary Cancer Syndrome; Neoplastic Syndromes, Hereditary. Identifiers: Orphanet 140162, MedGen C0027672, MeSH D009386, MONDO:0015356.
Cardiovascular phenotype. Identifiers: MedGen CN230736.

gnomAD v4.1: 1 of 1,613,704 alleles (0.000062%); highest among the groups gnomAD compares: South Asian, 0.0011%; no homozygotes.

Submissions (2):

Ambry Genetics
Classification: Pathogenic for Cardiovascular phenotype; Hereditary cancer-predisposing syndrome. Last evaluated: 2026-08-19. Review status: criteria provided, single submitter. Criteria: Ambry Variant Classification Scheme 2023. Collection method: clinical testing. Allele origin: germline.
Comment: The p.E339* pathogenic mutation (also known as c.1015G>T), located in coding exon 10 of the LZTR1 gene, results from a G to T substitution at nucleotide position 1015. This changes the amino acid from a glutamic acid to a stop codon within coding exon 10. This variant was reported in individual(s) with features consistent with LZTR1-related schwannomatosis (Louvrier C et al. Neuro Oncol, 2018 Jun;20:917-929). This alteration is expected to result in loss of function by premature protein truncation or nonsense-mediated mRNA decay. Loss-of-function variants in LZTR1 are related to an increased risk for schwannomas and autosomal recessive Noonan syndrome; however, such associations with autosomal dominant Noonan syndrome have not been observed (Piotrowski A et al. Nat Genet. 2014 Feb;46:182-7; Yamamoto GL et al. J Med Genet. 2015 Jun;52:413-21; Johnston JJ et al. Genet Med. 2018 10;20:1175-1185). Based on the supporting evidence, this variant is pathogenic for an increased risk of LZTR1-related schwannomatosis (SWN) and would be expected to cause autosomal recessive Noonan syndrome when present along with a second pathogenic or likely pathogenic variant on the other allele; however, the association of this variant with autosomal dominant Noonan syndrome is unlikely.

Labcorp Genetics (formerly Invitae), Labcorp
Classification: Pathogenic. Last evaluated: 2024-06-18. Review status: criteria provided, single submitter. Criteria: Invitae Variant Classification Sherloc (09022015). Collection method: clinical testing. Allele origin: germline.
Comment: This sequence change creates a premature translational stop signal (p.Glu339*) in the LZTR1 gene. It is expected to result in an absent or disrupted protein product. Loss-of-function variants in LZTR1 are known to be pathogenic (PMID: 24362817, 25335493, 25480913, 25795793, 29469822, 30368668, 30442762, 30442766, 30481304, 30859559). This variant is present in population databases (rs780578255, gnomAD 0.003%). This premature translational stop signal has been observed in individual(s) with schwannomatosis (PMID: 29409008). For these reasons, this variant has been classified as Pathogenic.

Literature cited by the submitters: PubMed 29409008 (cited by Ambry Genetics and Labcorp Genetics (formerly Invitae), Labcorp); PubMed 24362817 (cited by Labcorp Genetics (formerly Invitae), Labcorp); PubMed 25335493 (cited by Labcorp Genetics (formerly Invitae), Labcorp); PubMed 25480913 (cited by Labcorp Genetics (formerly Invitae), Labcorp); PubMed 25795793 (cited by Labcorp Genetics (formerly Invitae), Labcorp); PubMed 29469822 (cited by Labcorp Genetics (formerly Invitae), Labcorp); PubMed 30368668 (cited by Labcorp Genetics (formerly Invitae), Labcorp); PubMed 30442762 (cited by Labcorp Genetics (formerly Invitae), Labcorp); PubMed 30442766 (cited by Labcorp Genetics (formerly Invitae), Labcorp); PubMed 30481304 (cited by Labcorp Genetics (formerly Invitae), Labcorp); PubMed 30859559 (cited by Labcorp Genetics (formerly Invitae), Labcorp).

NM_006767.4(LZTR1):c.1015G>T (p.Glu339Ter)

Gene: LZTR1 (leucine zipper like post translational regulator 1; plus strand). Cytogenetic location: 22q11.21.
Variant type: single nucleotide variant.
Coding change: c.1015G>T on transcript NM_006767.4 (MANE Select); coding-DNA position 1015, G replaced by T.
Protein change: p.Glu339Ter; replaces glutamic acid 339 with a stop codon.
Molecular consequence: nonsense.
Genome position (GRCh38, 1-based): chr22:20,992,235, G>T. VCF-style: chr22-20992235-G-T. GRCh37 (hg19) VCF-style: chr22-21346524-G-T.
Other names: c.1015G>T (NM_006767.3); short protein forms E339*.
Identifiers: ClinVar variation 3656899 (VCV003656899.3).